The following is an entry in ClinVar:

NM_000466.3(PEX1):c.2719-4A>G

Gene: PEX1 (peroxisomal biogenesis factor 1; minus strand). Cytogenetic location: 7q21.2.
Variant type: single nucleotide variant.
Coding change: c.2719-4A>G on transcript NM_000466.3 (MANE Select); 4 bases into the intron before coding-DNA position 2719, A replaced by G.
Molecular consequence: intron variant.
Genome position (GRCh38, 1-based): chr7:92,496,781, T>C on the plus strand (A>G on the coding strand, the complement: PEX1 is on the minus strand). VCF-style: chr7-92496781-T-C. GRCh37 (hg19) VCF-style: chr7-92126095-T-C.
Other names: c.2548-4A>G (NM_001282677.2); c.2095-4A>G (NM_001282678.2); c.2719-4A>G (NM_000466.2).
Identifiers: ClinVar variation 2140171 (VCV002140171.5), dbSNP rs762436079, ClinGen allele CA4341034.

ClinVar aggregate classification (germline): Uncertain significance. Review status: criteria provided, multiple submitters, no conflicts (2 of 4 stars). 4 submissions from 4 submitters: Uncertain significance (4). Last evaluated 2026-05-26.

Conditions:
Zellweger spectrum disorders (ZS). Also called: Zellweger syndrome; Zellweger Spectrum Disorder (ZSD); Zellweger Spectrum Disorder; Zellweger Spectrum. Identifiers: Orphanet 912, MedGen C0043459, MONDO:0019609.
PEX1-related disorder. Also called: PEX1-related condition.

Allele frequency attached by ClinVar (database versions not stated): TOPMed 0.00001; ExAC 0.00002; gnomAD 0.00003.
gnomAD v4.1: 38 of 1,585,638 alleles (0.0024%); highest among the groups gnomAD compares: Non-Finnish European, 0.0029%; no homozygotes.

Submissions (4):

PreventionGenetics, part of Exact Sciences
Classification: Uncertain significance for PEX1-related condition. Last evaluated: 2026-05-26. Review status: criteria provided, single submitter. Criteria: ACMG Guidelines, 2015. Collection method: clinical testing. Allele origin: germline.
Comment: The PEX1 c.2719-4A>G variant is predicted to interfere with splicing. This variant is predicted to alter splicing based on available splicing prediction software (SpliceAI, Jaganathan et al. 2019. PubMed ID: 30661751). However, the use of computer prediction software is not equivalent to functional evidence. To our knowledge, this variant has not been reported in the literature. This variant is reported in 0.0050% of alleles in individuals of East Asian descent in gnomAD. At this time, the clinical significance of this variant is uncertain due to the absence of conclusive functional and genetic evidence.

Blueprint Genetics
Classification: Uncertain significance. Last evaluated: 2023-11-10. Review status: criteria provided, single submitter. Criteria: ACMG Guidelines, 2015. Collection method: clinical testing. Allele origin: germline.

GeneDx
Classification: Uncertain significance. Last evaluated: 2023-01-30. Review status: criteria provided, single submitter. Criteria: GeneDx Variant Classification Process June 2021. Collection method: clinical testing. Allele origin: germline. Affected: yes.
Comment: Not observed at significant frequency in large population cohorts (gnomAD); In silico analysis supports a deleterious effect on splicing; Has not been previously published as pathogenic or benign to our knowledge

Labcorp Genetics (formerly Invitae), Labcorp
Classification: Uncertain significance for Zellweger spectrum disorders. Last evaluated: 2022-04-01. Review status: criteria provided, single submitter. Criteria: Invitae Variant Classification Sherloc (09022015). Collection method: clinical testing. Allele origin: germline.
Comment: This sequence change falls in intron 16 of the PEX1 gene. It does not directly change the encoded amino acid sequence of the PEX1 protein. This variant is present in population databases (rs762436079, gnomAD 0.005%). This variant has not been reported in the literature in individuals affected with PEX1-related conditions. Algorithms developed to predict the effect of sequence changes on RNA splicing suggest that this variant may create or strengthen a splice site. In summary, the available evidence is currently insufficient to determine the role of this variant in disease. Therefore, it has been classified as a Variant of Uncertain Significance.